The following is an entry in ClinVar:

NM_020433.5(JPH2):c.473C>G (p.Pro158Arg)

Gene: JPH2 (junctophilin 2; minus strand). Cytogenetic location: 20q13.12.
Variant type: single nucleotide variant.
Coding change: c.473C>G on transcript NM_020433.5 (MANE Select); coding-DNA position 473, C replaced by G.
Protein change: p.Pro158Arg; replaces proline 158 with arginine.
Molecular consequence: missense variant.
Genome position (GRCh38, 1-based): chr20:44,160,314, G>C on the plus strand (C>G on the coding strand, the complement: JPH2 is on the minus strand). VCF-style: chr20-44160314-G-C. GRCh37 (hg19) VCF-style: chr20-42788954-G-C.
Other names: short protein forms P158R.
Identifiers: ClinVar variation 3649361 (VCV003649361.2).

ClinVar aggregate classification (germline): Uncertain significance (1 of 4 stars; one submission).

Conditions:
Hypertrophic cardiomyopathy. Also called: HYPERTROPHIC MYOCARDIOPATHY. Identifiers: Orphanet 217569, MedGen C0007194, MeSH D002312, MONDO:0005045, HP:0001639.

Submission:

Labcorp Genetics (formerly Invitae), Labcorp
Classification: Uncertain significance for Hypertrophic cardiomyopathy. Last evaluated: 2024-04-09. Review status: criteria provided, single submitter. Criteria: Invitae Variant Classification Sherloc (09022015). Collection method: clinical testing. Allele origin: germline.
Comment: This sequence change replaces proline, which is neutral and non-polar, with arginine, which is basic and polar, at codon 158 of the JPH2 protein (p.Pro158Arg). This variant is not present in population databases (gnomAD no frequency). This variant has not been reported in the literature in individuals affected with JPH2-related conditions. An algorithm developed to predict the effect of missense changes on protein structure and function (PolyPhen-2) suggests that this variant is likely to be disruptive. In summary, the available evidence is currently insufficient to determine the role of this variant in disease. Therefore, it has been classified as a Variant of Uncertain Significance.